The following is an entry in ClinVar:

NM_001005273.3(CHD3):c.4355T>C (p.Phe1452Ser)

Gene: CHD3 (chromodomain helicase DNA binding protein 3; plus strand). Cytogenetic location: 17p13.1.
Variant type: single nucleotide variant.
Coding change: c.4355T>C on transcript NM_001005273.3 (MANE Select); coding-DNA position 4355, T replaced by C.
Protein change: p.Phe1452Ser; replaces phenylalanine 1452 with serine.
Molecular consequence: missense variant.
Genome position (GRCh38, 1-based): chr17:7,905,986, T>C. VCF-style: chr17-7905986-T-C. GRCh37 (hg19) VCF-style: chr17-7809304-T-C.
Other names: c.4532T>C, p.Phe1511Ser (NM_001005271.3); c.4355T>C, p.Phe1452Ser (NM_005852.4); short protein forms F1452S, F1511S.
Identifiers: ClinVar variation 3572525 (VCV003572525.1).

ClinVar aggregate classification (germline): Uncertain significance (1 of 4 stars; one submission).

Submission:

GeneDx
Classification: Uncertain significance. Last evaluated: 2024-07-08. Review status: criteria provided, single submitter. Criteria: GeneDx Variant Classification Process June 2021. Collection method: clinical testing. Allele origin: germline. Affected: yes.
Comment: Not observed at significant frequency in large population cohorts (gnomAD); In silico analysis supports that this missense variant has a deleterious effect on protein structure/function; Has not been previously published as pathogenic or benign to our knowledge